The following is an entry in ClinVar:

ClinVar aggregate classification (germline): Pathogenic/Likely pathogenic. Review status: criteria provided, multiple submitters, no conflicts (2 of 4 stars). 6 submissions from 6 submitters: Pathogenic (2); Likely pathogenic (3). 1 of the submissions does not count toward it. Last evaluated 2025-06-12.

Conditions:
MMACHC-related disorder. Also called: MMACHC-related condition.
Cobalamin C disease. Also called: Cobalamin-C methylmalonic acidemia and homocystinuria; Methylmalonic acidemia and homocystinuria cblC type; Methylmalonic aciduria and homocystinuria, Vitamin B12-responsive; Vitamin B12 metabolic defect with combined deficiency of methylmalonyl-CoA mutase and homocysteine:methyltetrahydrofolate methyltransferase; methylmalonic aciduria and homocystinuria type cblC; Methylmalonic aciduria with homocystinuria cblC type. Identifiers: Orphanet 26, Orphanet 79282, MedGen C1848561, MONDO:0010184, OMIM 277400.

Allele frequency attached by ClinVar (database versions not stated): gnomAD exomes below 0.00001; TOPMed 0.00001.

Submissions (6):

Labcorp Genetics (formerly Invitae), Labcorp
Classification: Pathogenic for Cobalamin C disease. Last evaluated: 2025-06-12. Review status: criteria provided, single submitter. Criteria: Invitae Variant Classification Sherloc (09022015). Collection method: clinical testing. Allele origin: germline.
Comment: This sequence change creates a premature translational stop signal (p.Pro167Alafs*15) in the MMACHC gene. While this is not anticipated to result in nonsense mediated decay, it is expected to disrupt the last 116 amino acid(s) of the MMACHC protein. This variant is not present in population databases (gnomAD no frequency). This variant has not been reported in the literature in individuals affected with MMACHC-related conditions. ClinVar contains an entry for this variant (Variation ID: 556532). Algorithms developed to predict the effect of sequence changes on RNA splicing suggest that this variant may disrupt the consensus splice site. This variant disrupts a region of the MMACHC protein in which other variant(s) (p.Tyr222*) have been determined to be pathogenic (PMID: 16311595, 19767224, 30157807). This suggests that this is a clinically significant region of the protein, and that variants that disrupt it are likely to be disease-causing. For these reasons, this variant has been classified as Pathogenic.

Fulgent Genetics
Classification: Likely pathogenic for Cobalamin C disease. Last evaluated: 2024-04-29. Review status: criteria provided, single submitter. Criteria: ACMG Guidelines, 2015. Collection method: clinical testing. Allele origin: germline.

Genome-Nilou Lab
Classification: Likely pathogenic for Cobalamin C disease. Last evaluated: 2023-04-11. Review status: criteria provided, single submitter. Criteria: ACMG Guidelines, 2015. Collection method: clinical testing. Allele origin: germline. Affected: no.

Blueprint Genetics
Classification: Likely pathogenic for MMACHC-related disorders. Last evaluated: 2019-12-16. Review status: criteria provided, single submitter. Criteria: ACMG Guidelines, 2015. Collection method: clinical testing. Allele origin: germline. Affected: yes. Observed: 1 variant allele.

Baylor Genetics
Classification: Pathogenic for Cobalamin C disease. Review status: criteria provided, single submitter. Criteria: ACMG Guidelines, 2015. Collection method: clinical testing. Allele origin: germline.

Counsyl
Classification: Likely pathogenic for Cobalamin C disease. Last evaluated: 2018-02-06. Review status: no assertion criteria provided. Collection method: clinical testing. Allele origin: unknown. Not counted in ClinVar's aggregate classification.

Literature cited by the submitters: PubMed 16311595 (cited by Labcorp Genetics (formerly Invitae), Labcorp); PubMed 19767224 (cited by Labcorp Genetics (formerly Invitae), Labcorp); PubMed 30157807 (cited by Labcorp Genetics (formerly Invitae), Labcorp).

NM_015506.3(MMACHC):c.497dup (p.Pro167fs)

Gene: MMACHC (metabolism of cobalamin associated C; plus strand). Cytogenetic location: 1p34.1.
Variant type: Duplication.
Coding change: c.497dup on transcript NM_015506.3 (MANE Select); coding-DNA position 497, one base duplicated (T; older notation c.497dupT).
Protein change: p.Pro167fs; shifts the reading frame from proline 167.
Molecular consequence: frameshift variant.
Genome position (GRCh38, 1-based): chr1:45,508,863, T duplicated. VCF-style (leftmost placement, unchanged base first): chr1-45508862-C-CT. GRCh37 (hg19) VCF-style: chr1-45974534-C-CT.
Other names: c.497dupT (NM_015506.2); c.326dup, p.Pro110fs (NM_001330540.2); short protein forms P167fs, P110fs.
Identifiers: ClinVar variation 556532 (VCV000556532.11), dbSNP rs1481893137, ClinGen allele CA658821027.